The following is an entry in ClinVar:

ClinVar aggregate classification (germline): Uncertain significance. Review status: criteria provided, multiple submitters, no conflicts (2 of 4 stars). 5 submissions from 5 submitters: Uncertain significance (5). Last evaluated 2025-11-25.

Conditions:
Hereditary cancer-predisposing syndrome. Also called: Hereditary neoplastic syndrome; Neoplastic Syndromes, Hereditary; Tumor predisposition; Hereditary Cancer Syndrome. Identifiers: Orphanet 140162, MedGen C0027672, MeSH D009386, MONDO:0015356.
Fanconi anemia complementation group J. Also called: BRIP1-Related Fanconi Anemia. Identifiers: Orphanet 84, MedGen C1836860, MONDO:0012187, OMIM 609054.
Familial cancer of breast. Also called: BREAST CANCER, FAMILIAL; Hereditary breast cancer; hereditary breast carcinoma. Identifiers: Orphanet 227535, MedGen C0346153, MONDO:0016419, OMIM 114480. Disease mechanism: loss of function.

Submissions (5):

Color Diagnostics, LLC DBA Color Health
Classification: Uncertain significance for Hereditary cancer-predisposing syndrome. Last evaluated: 2025-11-25. Review status: criteria provided, single submitter. Criteria: ACMG Guidelines, 2015. Collection method: clinical testing. Allele origin: germline.
Comment: This variant causes an in-frame duplication of three amino acids in the BRCA1-binding domain of the BRIP1 protein (PMID: 11301010). To our knowledge, functional studies have not been reported for this variant. This variant has not been reported in individuals affected with BRIP1-related disorders in the literature. This variant has been identified in 2/1614150 chromosomes in the general population by the Genome Aggregation Database (gnomAD). The available evidence is insufficient to determine the role of this variant in disease conclusively. Therefore, this variant is classified as a Variant of Uncertain Significance.

Labcorp Genetics (formerly Invitae), Labcorp
Classification: Uncertain significance for Familial cancer of breast; Fanconi anemia complementation group J. Last evaluated: 2025-09-15. Review status: criteria provided, single submitter. Criteria: Invitae Variant Classification Sherloc (09022015). Collection method: clinical testing. Allele origin: germline.
Comment: This variant, c.3088_3096dup, results in the insertion of 3 amino acid(s) of the BRIP1 protein (p.Ala1030_Ser1032dup), but otherwise preserves the integrity of the reading frame. This variant is present in population databases (no rsID available, gnomAD 0.006%). This variant has not been reported in the literature in individuals affected with BRIP1-related conditions. ClinVar contains an entry for this variant (Variation ID: 483148). Experimental studies and prediction algorithms are not available or were not evaluated, and the functional significance of this variant is currently unknown. In summary, the available evidence is currently insufficient to determine the role of this variant in disease. Therefore, it has been classified as a Variant of Uncertain Significance.

Quest Diagnostics Nichols Institute San Juan Capistrano
Classification: Uncertain significance. Last evaluated: 2025-07-31. Review status: criteria provided, single submitter. Criteria: Quest Diagnostics criteria. Collection method: clinical testing. Allele origin: unknown.
Comment: The BRIP1 c.3088_3096dup (p.Ala1030_Ser1032dup) variant has not been reported in individuals with BRIP1-related conditions in the published literature. The frequency of this variant in the general population (Genome Aggregation Database) is uninformative in the assessment of its pathogenicity. Based on the available information, we are unable to determine the clinical significance of this variant.

Ambry Genetics
Classification: Uncertain significance for Hereditary cancer-predisposing syndrome. Last evaluated: 2025-05-30. Review status: criteria provided, single submitter. Criteria: Ambry Variant Classification Scheme 2023. Collection method: clinical testing. Allele origin: germline.
Comment: The c.3088_3096dupGCCTCTAGT variant (also known as p.A1030_S1032dup), located in coding exon 19 of the BRIP1 gene. This variant results from an in-frame duplication of 9 nucleotides at positions c.3088 to c.3096. This results in the duplication of three amino acids between codons 1030 and 1032. This amino acid region is not well conserved in available vertebrate species. This alteration is predicted to be neutral by in silico analysis (Choi Y et al., PLoS ONE 2012; 7(10):e46688). Based on the available evidence, the clinical significance of this variant remains unclear.

GeneDx
Classification: Uncertain significance. Last evaluated: 2019-10-25. Review status: criteria provided, single submitter. Criteria: GeneDx Variant Classification Process June 2021. Collection method: clinical testing. Allele origin: germline. Affected: yes.
Comment: Not observed at a significant frequency in large population cohorts (Lek 2016); In-frame insertion of 3 amino acids in a non-repeat region; In silico analysis, which includes protein predictors and evolutionary conservation, supports that this variant does not alter protein structure/function; Has not been previously published as pathogenic or benign to our knowledge

Literature cited by the submitters: PubMed 11301010 (cited by Color Diagnostics, LLC DBA Color Health); PubMed 28640387 (cited by Quest Diagnostics Nichols Institute San Juan Capistrano).

NM_032043.3(BRIP1):c.3088_3096dup (p.Ala1030_Ser1032dup)

Gene: BRIP1 (BRCA1 interacting DNA helicase 1; minus strand). Cytogenetic location: 17q23.2.
Variant type: Duplication.
Coding change: c.3088_3096dup on transcript NM_032043.3 (MANE Select); coding-DNA positions 3088 to 3096, 9 bases duplicated (GCCTCTAGT; older notation c.3088_3096dupGCCTCTAGT).
Protein change: p.Ala1030_Ser1032dup.
Molecular consequence: inframe insertion.
Genome position (GRCh38, 1-based): chr17:61,683,950-61,683,958, ACTAGAGGC duplicated on the plus strand (GCCTCTAGT on the coding strand, the reverse complement: BRIP1 is on the minus strand); duplicating any 9 consecutive bases within chr17:61,683,950-61,683,962 gives the same sequence; the c. name uses the placement nearest the transcript's 3' end. VCF-style (leftmost placement, unchanged base first): chr17-61683949-G-GACTAGAGGC. GRCh37 (hg19) VCF-style: chr17-59761310-G-GACTAGAGGC.
Other names: c.3088_3096dupGCCTCTAGT (NM_032043.2).
Identifiers: ClinVar variation 483148 (VCV000483148.21), dbSNP rs1187782159, ClinGen allele CA627146470.